The following is an entry in ClinVar:

NM_001370259.2(MEN1):c.452A>G (p.Lys151Arg)

Gene: MEN1 (menin 1; minus strand). Cytogenetic location: 11q13.1.
Variant type: single nucleotide variant.
Coding change: c.452A>G on transcript NM_001370259.2 (MANE Select); coding-DNA position 452, A replaced by G.
Protein change: p.Lys151Arg; replaces lysine 151 with arginine.
Molecular consequence: missense variant.
Genome position (GRCh38, 1-based): chr11:64,808,093, T>C on the plus strand (A>G on the coding strand, the complement: MEN1 is on the minus strand). VCF-style: chr11-64808093-T-C. GRCh37 (hg19) VCF-style: chr11-64575565-T-C.
Other names: c.467A>G, p.Lys156Arg (NM_000244.4, NM_130800.3, NM_130801.3 and 3 more transcripts); c.452A>G, p.Lys151Arg (NM_001370251.2, NM_001370260.2, NM_001370261.2 and 3 more transcripts); c.452A>G (NM_130799.2); short protein forms K151R, K156R.
Identifiers: ClinVar variation 1055547 (VCV001055547.9), dbSNP rs2136159495, ClinGen allele CA381186323.

ClinVar aggregate classification (germline): Uncertain significance. Review status: criteria provided, multiple submitters, no conflicts (2 of 4 stars). 2 submissions from 2 submitters: Uncertain significance (2). Last evaluated 2026-02-17.

Conditions:
Hereditary cancer-predisposing syndrome. Also called: Hereditary Cancer Syndrome; Neoplastic Syndromes, Hereditary; Tumor predisposition; Hereditary neoplastic syndrome. Identifiers: Orphanet 140162, MedGen C0027672, MeSH D009386, MONDO:0015356.
Multiple endocrine neoplasia, type 1 (MEN1). Also called: MEN I; WERMER SYNDROME; Endocrine adenomatosis multiple; MEN 1; MEA I. Identifiers: Orphanet 652, MedGen C0025267, MeSH D018761, MONDO:0007540, OMIM 131100.

Allele frequency attached by ClinVar (database versions not stated): gnomAD exomes below 0.00001.

Submissions (2):

Ambry Genetics
Classification: Uncertain significance for Hereditary cancer-predisposing syndrome. Last evaluated: 2026-02-17. Review status: criteria provided, single submitter. Criteria: Ambry Variant Classification Scheme 2023. Collection method: clinical testing. Allele origin: germline.

Labcorp Genetics (formerly Invitae), Labcorp
Classification: Uncertain significance for Multiple endocrine neoplasia, type 1. Last evaluated: 2025-09-15. Review status: criteria provided, single submitter. Criteria: Invitae Variant Classification Sherloc (09022015). Collection method: clinical testing. Allele origin: germline.
Comment: This sequence change replaces lysine, which is basic and polar, with arginine, which is basic and polar, at codon 151 of the MEN1 protein (p.Lys151Arg). This variant is not present in population databases (gnomAD no frequency). This variant has not been reported in the literature in individuals affected with MEN1-related conditions. ClinVar contains an entry for this variant (Variation ID: 1055547). Invitae Evidence Modeling of protein sequence and biophysical properties (such as structural, functional, and spatial information, amino acid conservation, physicochemical variation, residue mobility, and thermodynamic stability) indicates that this missense variant is expected to disrupt MEN1 protein function with a positive predictive value of 95%. In summary, the available evidence is currently insufficient to determine the role of this variant in disease. Therefore, it has been classified as a Variant of Uncertain Significance.